The following is an entry in ClinVar:

ClinVar aggregate classification (germline): Uncertain significance (1 of 4 stars; one submission).

Conditions:
Inborn genetic diseases. Identifiers: MedGen C0950123, MeSH D030342.

gnomAD v4.1: 3 of 1,614,088 alleles (0.00019%); highest among the groups gnomAD compares: Middle Eastern, 0.016%; no homozygotes.

Submission:

Ambry Genetics
Classification: Uncertain significance for Inborn genetic diseases. Last evaluated: 2026-08-29. Review status: criteria provided, single submitter. Criteria: Ambry Variant Classification Scheme 2023. Collection method: clinical testing. Allele origin: germline.
Comment: The p.P389A variant (also known as c.1165C>G), located in coding exon 12 of the ASXL1 gene, results from a C to G substitution at nucleotide position 1165. The proline at codon 389 is replaced by alanine, an amino acid with highly similar properties. This amino acid position is conserved. In addition, this alteration is predicted to be tolerated by in silico analysis. Based on the available evidence, the clinical significance of this variant remains unclear.

NM_015338.6(ASXL1):c.1165C>G (p.Pro389Ala)

Gene: ASXL1 (ASXL transcriptional regulator 1; plus strand). Cytogenetic location: 20q11.21.
Variant type: single nucleotide variant.
Coding change: c.1165C>G on transcript NM_015338.6 (MANE Select); coding-DNA position 1165, C replaced by G.
Protein change: p.Pro389Ala; replaces proline 389 with alanine.
Molecular consequence: missense variant.
Genome position (GRCh38, 1-based): chr20:32,433,363, C>G. VCF-style: chr20-32433363-C-G. GRCh37 (hg19) VCF-style: chr20-31021166-C-G.
Other names: c.982C>G, p.Pro328Ala (NM_001363734.1); short protein forms P328A, P389A.
Identifiers: ClinVar variation 5030477 (VCV005030477.1).